The following is an entry in ClinVar:

NM_138961.3(ESAM):c.868A>G (p.Ile290Val)

Gene: ESAM (endothelial cell adhesion molecule; minus strand). Cytogenetic location: 11q24.2.
Variant type: single nucleotide variant.
Coding change: c.868A>G on transcript NM_138961.3 (MANE Select); coding-DNA position 868, A replaced by G.
Protein change: p.Ile290Val; replaces isoleucine 290 with valine.
Molecular consequence: missense variant.
Genome position (GRCh38, 1-based): chr11:124,753,951, T>C on the plus strand (A>G on the coding strand, the complement: ESAM is on the minus strand). VCF-style: chr11-124753951-T-C. GRCh37 (hg19) VCF-style: chr11-124623847-T-C.
Other names: short protein forms I290V.
Identifiers: ClinVar variation 3388118 (VCV003388118.15).

ClinVar aggregate classification (germline): Likely benign. Review status: criteria provided, multiple submitters, no conflicts (2 of 4 stars). 2 submissions from 2 submitters: Likely benign (2). Last evaluated 2026-08-01.

gnomAD v4.1: 1,855 of 1,613,314 alleles (0.11%); highest among the groups gnomAD compares: Non-Finnish European, 0.13%; 6 homozygotes.

Submissions (2):

CeGaT Center for Human Genetics Tuebingen
Classification: Likely benign. Last evaluated: 2026-08-01. Review status: criteria provided, single submitter. Criteria: CeGaT Center For Human Genetics Tuebingen Variant Classification Criteria Version 2. Collection method: clinical testing. Allele origin: germline. Affected: yes. Observed: 5 variant alleles.
Comment: ESAM: BP4, BS2

Blueprint Genetics
Classification: Likely benign. Last evaluated: 2024-11-27. Review status: criteria provided, single submitter. Criteria: ACMG Guidelines, 2015. Collection method: clinical testing. Allele origin: germline.